The following is an entry in ClinVar:

ClinVar aggregate classification (germline): Likely benign (1 of 4 stars; one submission).

Submission:

CeGaT Center for Human Genetics Tuebingen
Classification: Likely benign. Last evaluated: 2026-01-01. Review status: criteria provided, single submitter. Criteria: CeGaT Center For Human Genetics Tuebingen Variant Classification Criteria Version 2. Collection method: clinical testing. Allele origin: germline. Affected: yes. Observed: 1 variant allele.
Comment: RELN: PM2:Supporting, BP4, BP7

NM_005045.4(RELN):c.5230A>C (p.Arg1744=)

Gene: RELN (reelin; minus strand). Cytogenetic location: 7q22.1.
Variant type: single nucleotide variant.
Coding change: c.5230A>C on transcript NM_005045.4 (MANE Select); coding-DNA position 5230, A replaced by C.
Protein change: p.Arg1744=; no amino-acid change (arginine 1744 retained).
Molecular consequence: synonymous variant.
Genome position (GRCh38, 1-based): chr7:103,561,934, T>G on the plus strand (A>C on the coding strand, the complement: RELN is on the minus strand). VCF-style: chr7-103561934-T-G. GRCh37 (hg19) VCF-style: chr7-103202381-T-G.
Other names: c.5230A>C, p.Arg1744= (NM_173054.3).
Identifiers: ClinVar variation 4822772 (VCV004822772.4).